The following is an entry in ClinVar:

NM_000318.3(PEX2):c.310del (p.Ile104fs)

Gene: PEX2 (peroxisomal biogenesis factor 2; minus strand). Cytogenetic location: 8q21.13.
Variant type: Deletion.
Coding change: c.310del on transcript NM_000318.3 (MANE Select); coding-DNA position 310, one base deleted (A; older notation c.310delA).
Protein change: p.Ile104fs; shifts the reading frame from isoleucine 104.
Molecular consequence: frameshift variant.
Genome position (GRCh38, 1-based): chr8:76,983,869, T deleted on the plus strand (A on the coding strand, the reverse complement: PEX2 is on the minus strand); the first of 6 consecutive T bases (chr8:76,983,869-76,983,874); deleting any one gives the same sequence. VCF-style (leftmost placement, unchanged base first): chr8-76983868-AT-A. GRCh37 (hg19) VCF-style: chr8-77896104-AT-A.
Other names: c.310delA (NM_000318.3); c.310del, p.Ile104fs (NM_001079867.2, NM_001172086.2, NM_001172087.2); short protein forms I104fs.
Identifiers: ClinVar variation 2677680 (VCV002677680.2), dbSNP rs1235008965, ClinGen allele CA2695201489.

ClinVar aggregate classification (germline): Pathogenic/Likely pathogenic. Review status: criteria provided, multiple submitters, no conflicts (2 of 4 stars). 2 submissions from 2 submitters: Pathogenic (1); Likely pathogenic (1). Last evaluated 2026-01-12.

Conditions:
Peroxisome biogenesis disorder 5A (Zellweger) (PBD5A). Identifiers: Orphanet 912, MedGen C3553940, MONDO:0013932, OMIM 614866.
Peroxisome biogenesis disorder. Identifiers: Orphanet 79189, MedGen C1832200, MONDO:0019234. Disease mechanism: loss of function.

Submissions (2):

Women's Health and Genetics/Laboratory Corporation of America, LabCorp
Classification: Pathogenic for Peroxisome biogenesis disorder. Last evaluated: 2026-01-12. Review status: criteria provided, single submitter. Criteria: LabCorp Variant Classification Summary - May 2015. Collection method: clinical testing. Allele origin: germline.
Comment: Variant summary: PEX2 c.310delA (p.Ile104SerfsX13) results in a premature termination codon, predicted to cause a truncation of the encoded protein, but is not expected to result in nonsense mediated decay. Downstream truncating variants have been classified as pathogenic by our lab. The variant was absent in 251370 control chromosomes (gnomAD). To our knowledge, no occurrence of c.310delA in individuals affected with PEX2-related conditions and no experimental evidence demonstrating its impact on protein function have been reported. ClinVar contains an entry for this variant (Variation ID: 2677680). Based on the evidence outlined above, the variant was classified as pathogenic.

Baylor Genetics
Classification: Likely pathogenic for Peroxisome biogenesis disorder 5A (Zellweger). Last evaluated: 2021-12-06. Review status: criteria provided, single submitter. Criteria: ACMG Guidelines, 2015. Collection method: clinical testing. Allele origin: unknown.